The following is an entry in ClinVar:

ClinVar aggregate classification (germline): Uncertain significance (1 of 4 stars; one submission).

Allele frequency attached by ClinVar (database versions not stated): gnomAD exomes below 0.00001.
gnomAD v4.1: 1 of 1,614,248 alleles (0.000062%); highest among the groups gnomAD compares: African/African-American, 0.0013%; no homozygotes.

Submission:

Labcorp Genetics (formerly Invitae), Labcorp
Classification: Uncertain significance. Last evaluated: 2022-03-10. Review status: criteria provided, single submitter. Criteria: Invitae Variant Classification Sherloc (09022015). Collection method: clinical testing. Allele origin: germline.
Comment: In summary, the available evidence is currently insufficient to determine the role of this variant in disease. Therefore, it has been classified as a Variant of Uncertain Significance. Algorithms developed to predict the effect of missense changes on protein structure and function (SIFT, PolyPhen-2, Align-GVGD) all suggest that this variant is likely to be tolerated. This variant has not been reported in the literature in individuals affected with PCARE-related conditions. This variant is not present in population databases (gnomAD no frequency). This sequence change replaces isoleucine, which is neutral and non-polar, with valine, which is neutral and non-polar, at codon 796 of the PCARE protein (p.Ile796Val).

NM_001029883.3(PCARE):c.2386A>G (p.Ile796Val)

Gene: PCARE (photoreceptor cilium actin regulator; minus strand). Cytogenetic location: 2p23.2.
Variant type: single nucleotide variant.
Coding change: c.2386A>G on transcript NM_001029883.3 (MANE Select); coding-DNA position 2386, A replaced by G.
Protein change: p.Ile796Val; replaces isoleucine 796 with valine.
Molecular consequence: missense variant.
Genome position (GRCh38, 1-based): chr2:29,071,876, T>C on the plus strand (A>G on the coding strand, the complement: PCARE is on the minus strand). VCF-style: chr2-29071876-T-C. GRCh37 (hg19) VCF-style: chr2-29294742-T-C.
Other names: short protein forms I796V.
Identifiers: ClinVar variation 1378271 (VCV001378271.6), dbSNP rs1667494520, ClinGen allele CA346477649.